The following is an entry in ClinVar:

ClinVar aggregate classification (germline): Uncertain significance (1 of 4 stars; one submission).

Conditions:
Charcot-Marie-Tooth disease dominant intermediate C (CMTDIC). Also called: CHARCOT-MARIE-TOOTH NEUROPATHY, DOMINANT INTERMEDIATE C. Identifiers: Orphanet 100045, MedGen C1842237, MONDO:0012012, OMIM 608323.

Submission:

Labcorp Genetics (formerly Invitae), Labcorp
Classification: Uncertain significance for Charcot-Marie-Tooth disease dominant intermediate C. Last evaluated: 2022-07-06. Review status: criteria provided, single submitter. Criteria: Invitae Variant Classification Sherloc (09022015). Collection method: clinical testing. Allele origin: germline.
Comment: This sequence change creates a premature translational stop signal (p.Leu336Serfs*58) in the YARS gene. It is expected to result in an absent or disrupted protein product. However, the current clinical and genetic evidence is not sufficient to establish whether loss-of-function variants in YARS cause disease. This variant is not present in population databases (gnomAD no frequency). This variant has not been reported in the literature in individuals affected with YARS-related conditions. ClinVar contains an entry for this variant (Variation ID: 1681499). In summary, the available evidence is currently insufficient to determine the role of this variant in disease. Therefore, it has been classified as a Variant of Uncertain Significance.

NM_003680.4(YARS1):c.1005_1006insT (p.Leu336fs)

Gene: YARS1 (tyrosyl-tRNA synthetase 1; minus strand). Cytogenetic location: 1p35.1.
Variant type: Insertion.
Coding change: c.1005_1006insT on transcript NM_003680.4 (MANE Select); coding-DNA positions 1005 to 1006, T inserted.
Protein change: p.Leu336fs; shifts the reading frame from leucine 336.
Molecular consequence: frameshift variant.
Genome position: GRCh38 VCF-style: chr1-32782440-G-GA. GRCh37 (hg19) VCF-style: chr1-33248041-G-GA.
Other names: short protein forms L336fs.
Identifiers: ClinVar variation 1681499 (VCV001681499.6), dbSNP rs2148601348, ClinGen allele CA2573132251.